The following is an entry in ClinVar:

NM_001199138.2(NLRC4):c.862C>T (p.Arg288Trp)

Gene: NLRC4 (NLR family CARD domain containing 4; minus strand). Cytogenetic location: 2p22.3.
Variant type: single nucleotide variant.
Coding change: c.862C>T on transcript NM_001199138.2 (MANE Select); coding-DNA position 862, C replaced by T.
Protein change: p.Arg288Trp; replaces arginine 288 with tryptophan.
Molecular consequence: missense variant. On other transcripts: intron variant (1).
Genome position (GRCh38, 1-based): chr2:32,251,002, G>A on the plus strand (C>T on the coding strand, the complement: NLRC4 is on the minus strand). VCF-style: chr2-32251002-G-A. GRCh37 (hg19) VCF-style: chr2-32476071-G-A.
Other names: c.862C>T, p.Arg288Trp (NM_001199139.2, NM_021209.5); c.262+1417C>T (NM_001302504.1); short protein forms R288W.
Identifiers: ClinVar variation 2196831 (VCV002196831.4), dbSNP rs747147167, ClinGen allele CA1602074.

ClinVar aggregate classification (germline): Uncertain significance (1 of 4 stars; one submission).

Conditions:
Periodic fever-infantile enterocolitis-autoinflammatory syndrome. Also called: Autoinflammation with infantile enterocolitis. Identifiers: Orphanet 436166, MedGen C4015067, MONDO:0014472, OMIM 616050.
Familial cold autoinflammatory syndrome 4 (FCAS4). Identifiers: Orphanet 47045, Orphanet 576349, MedGen C4015276, MONDO:0014498, OMIM 616115.

gnomAD v4.1: 36 of 1,614,062 alleles (0.0022%); highest among the groups gnomAD compares: East Asian, 0.0067%; no homozygotes.

Submission:

Labcorp Genetics (formerly Invitae), Labcorp
Classification: Uncertain significance for Periodic fever-infantile enterocolitis-autoinflammatory syndrome; Familial cold autoinflammatory syndrome 4. Last evaluated: 2022-06-22. Review status: criteria provided, single submitter. Criteria: Invitae Variant Classification Sherloc (09022015). Collection method: clinical testing. Allele origin: germline.
Comment: Algorithms developed to predict the effect of missense changes on protein structure and function are either unavailable or do not agree on the potential impact of this missense change (SIFT: "Deleterious"; PolyPhen-2: "Probably Damaging"; Align-GVGD: "Class C0"). In summary, the available evidence is currently insufficient to determine the role of this variant in disease. Therefore, it has been classified as a Variant of Uncertain Significance. This variant has not been reported in the literature in individuals affected with NLRC4-related conditions. This variant is present in population databases (rs747147167, gnomAD 0.003%). This sequence change replaces arginine, which is basic and polar, with tryptophan, which is neutral and slightly polar, at codon 288 of the NLRC4 protein (p.Arg288Trp).